The following is an entry in ClinVar:

NM_177438.3(DICER1):c.5137G>A (p.Asp1713Asn)

Gene: DICER1 (dicer 1, ribonuclease III; minus strand). Cytogenetic location: 14q32.13.
Variant type: single nucleotide variant.
Coding change: c.5137G>A on transcript NM_177438.3 (MANE Select); coding-DNA position 5137, G replaced by A.
Protein change: p.Asp1713Asn; replaces aspartic acid 1713 with asparagine.
Molecular consequence: missense variant.
Genome position (GRCh38, 1-based): chr14:95,094,115, C>T on the plus strand (G>A on the coding strand, the complement: DICER1 is on the minus strand). VCF-style: chr14-95094115-C-T. GRCh37 (hg19) VCF-style: chr14-95560452-C-T.
Other names: c.5137G>A, p.Asp1713Asn (NM_001195573.1, NM_001271282.3, NM_001291628.2 and 1 more transcripts); short protein forms D1713N.
Identifiers: ClinVar variation 933034 (VCV000933034.3), dbSNP rs1890097519, ClinGen allele CA390865368.
Genomic context (GRCh38, chr14:95,094,115, plus strand): 5'-TCAGGACCCCCGGGGAGTGCTGCCGCGGGTCTTCATAAAGGTGCTTGGTTATGAGGTAGT[C>T]CAAAATCGCATCTCCCAGGAATTCTAAGCGCTGGTAACAATCTGAGGGGATCCGAAGTGG-3'
Protein context (NP_803187.1, residues 1703-1723): RLEFLGDAIL[Asp1713Asn]YLITKHLYED

ClinVar aggregate classification (germline): Pathogenic (1 of 4 stars; one submission).

Conditions:
DICER1-related tumor predisposition. Also called: DICER1-related pleuropulmonary blastoma cancer predisposition syndrome; DICER1 syndrome. Identifiers: Orphanet 284343, MedGen C3839822, MONDO:0100216.

Submission:

Foulkes Cancer Genetics LDI, Lady Davis Institute for Medical Research
Classification: Pathogenic for Pleuropulmonary blastoma. Last evaluated: 2019-07-01. Review status: criteria provided, single submitter. Criteria: ACMG Guidelines, 2015. Collection method: curation. Allele origin: unknown. Affected: yes. Observed: 1 variant allele.
Comment: ACMG criteria met: PS3, PM1, PM2, PM7, PP3, PP4, BP1

Literature cited by the submitters: PubMed 30072170.